The following is an entry in ClinVar:

NM_001005273.3(CHD3):c.3540G>A (p.Met1180Ile)

Gene: CHD3 (chromodomain helicase DNA binding protein 3; plus strand). Cytogenetic location: 17p13.1.
Variant type: single nucleotide variant.
Coding change: c.3540G>A on transcript NM_001005273.3 (MANE Select); coding-DNA position 3540, G replaced by A.
Protein change: p.Met1180Ile; replaces methionine 1180 with isoleucine.
Molecular consequence: missense variant.
Genome position (GRCh38, 1-based): chr17:7,903,316, G>A. VCF-style: chr17-7903316-G-A. GRCh37 (hg19) VCF-style: chr17-7806634-G-A.
Other names: c.3717G>A, p.Met1239Ile (NM_001005271.3); c.3540G>A, p.Met1180Ile (NM_005852.4); short protein forms M1180I, M1239I.
Identifiers: ClinVar variation 3252436 (VCV003252436.2), dbSNP rs2545006580.

ClinVar aggregate classification (germline): Uncertain significance (1 of 4 stars; one submission).

Submission:

GeneDx
Classification: Uncertain significance. Last evaluated: 2026-06-18. Review status: criteria provided, single submitter. Criteria: GeneDx Variant Classification Process June 2021. Collection method: clinical testing. Allele origin: germline.
Comment: Not observed at significant frequency in large population cohorts (gnomAD); In silico analysis supports that this missense variant has a deleterious effect on protein structure/function; Has not been previously published as pathogenic or benign to our knowledge